The following is an entry in ClinVar:

NM_001083619.3(GRIA2):c.2542G>A (p.Val848Met)

Gene: GRIA2 (glutamate ionotropic receptor AMPA type subunit 2; plus strand). Cytogenetic location: 4q32.1.
Variant type: single nucleotide variant.
Coding change: c.2542G>A on transcript NM_001083619.3 (MANE Select); coding-DNA position 2542, G replaced by A.
Protein change: p.Val848Met; replaces valine 848 with methionine.
Molecular consequence: missense variant.
Genome position (GRCh38, 1-based): chr4:157,362,934, G>A. VCF-style: chr4-157362934-G-A. GRCh37 (hg19) VCF-style: chr4-158284086-G-A.
Other names: c.2542G>A, p.Val848Met (NM_000826.6); c.2401G>A, p.Val801Met (NM_001083620.3, NM_001379000.3, NM_001379001.3); short protein forms V801M, V848M.
Identifiers: ClinVar variation 4856861 (VCV004856861.2).
Genomic context (GRCh38, chr4:157,362,934, plus strand): 5'-ATGCTGGTGGCTTTGATTGAGTTCTGTTACAAGTCAAGGGCCGAGGCGAAACGAATGAAG[G>A]TGGCAAAGAATGCACAGAATATTAACCCATCTTCCTCGCAGAATTCACAGAATTTTGCAA-3'
Protein context (NP_001077088.2, residues 838-858): KSRAEAKRMK[Val848Met]AKNAQNINPS

ClinVar aggregate classification (germline): Uncertain significance (1 of 4 stars; one submission).

gnomAD v4.1: 3 of 1,613,616 alleles (0.00019%); highest among the groups gnomAD compares: South Asian, 0.0033%; no homozygotes.

Submission:

Dasa
Classification: Uncertain significance. Last evaluated: 2025-11-27. Review status: criteria provided, single submitter. Criteria: DASA Assertion Criteria. Collection method: clinical testing. Allele origin: germline.
Comment: NM_001083619.3(GRIA2):c.2542G>A (p.Val848Met) is a missense variant that results in the substitution of valine with methionine. This variant is rare in population databases. The currently available literature and clinical evidence are not sufficient to establish a definitive association between this variant and the reported condition. Therefore, this variant is classified as a variant of uncertain significance.